The following is an entry in ClinVar:

NM_001290403.2(TAL1):c.441C>G (p.Leu147=)

Gene: TAL1 (TAL bHLH transcription factor 1, erythroid differentiation factor; minus strand). Cytogenetic location: 1p33.
Variant type: single nucleotide variant.
Coding change: c.441C>G on transcript NM_001290403.2 (MANE Select); coding-DNA position 441, C replaced by G.
Protein change: p.Leu147=; no amino-acid change (leucine 147 retained).
Molecular consequence: synonymous variant. On other transcripts: intron variant (1).
Genome position (GRCh38, 1-based): chr1:47,225,448, G>C on the plus strand (C>G on the coding strand, the complement: TAL1 is on the minus strand). VCF-style: chr1-47225448-G-C. GRCh37 (hg19) VCF-style: chr1-47691120-G-C.
Other names: c.441C>G, p.Leu147= (NM_001287347.2, NM_001290404.1, NM_001290405.1 and 1 more transcripts); c.-31-1350C>G (NM_001290406.2).
Identifiers: ClinVar variation 786986 (VCV000786986.28), dbSNP rs537427396, ClinGen allele CA22044907.

ClinVar aggregate classification (germline): Likely benign. Review status: criteria provided, multiple submitters, no conflicts (2 of 4 stars). 3 submissions from 3 submitters: Likely benign (3). Last evaluated 2023-01-01.

Allele frequency attached by ClinVar (database versions not stated): gnomAD 0.00377 and 0.00393; 1000 Genomes Project 0.00439; TOPMed 0.00504; 1000 Genomes Project 30x 0.00531.
gnomAD v4.1: 2,196 of 1,231,478 alleles (0.18%); highest among the groups gnomAD compares: Middle Eastern, 1%; 14 homozygotes.

Submissions (3):

CeGaT Center for Human Genetics Tuebingen
Classification: Likely benign. Last evaluated: 2023-01-01. Review status: criteria provided, single submitter. Criteria: CeGaT Center For Human Genetics Tuebingen Variant Classification Criteria Version 2. Collection method: clinical testing. Allele origin: germline. Affected: yes. Observed: 1 variant allele.
Comment: TAL1: BP4, BP7, BS2

Labcorp Genetics (formerly Invitae), Labcorp
Classification: Likely benign. Last evaluated: 2018-06-22. Review status: criteria provided, single submitter. Criteria: Invitae Variant Classification Sherloc (09022015). Collection method: clinical testing. Allele origin: germline.

Breakthrough Genomics
Classification: Likely benign. Review status: criteria provided, single submitter. Criteria: ACMG Guidelines, 2015. Collection method: not provided. Allele origin: germline. Inheritance: Unknown mechanism. Affected: yes.